The following is an entry in ClinVar:

NM_000660.7(TGFB1):c.74G>C (p.Arg25Pro)

Gene: TGFB1 (transforming growth factor beta 1; minus strand). Cytogenetic location: 19q13.2.
Variant type: single nucleotide variant.
Coding change: c.74G>C on transcript NM_000660.7 (MANE Select); coding-DNA position 74, G replaced by C.
Protein change: p.Arg25Pro; replaces arginine 25 with proline.
Molecular consequence: missense variant.
Genome position (GRCh38, 1-based): chr19:41,352,971, C>G on the plus strand (G>C on the coding strand, the complement: TGFB1 is on the minus strand). VCF-style: chr19-41352971-C-G. GRCh37 (hg19) VCF-style: chr19-41858876-C-G.
Other names: p.Arg25Pro; short protein forms R25P.
Identifiers: ClinVar variation 38902 (VCV000038902.14), dbSNP rs1800471, ClinGen allele CA9460177.

ClinVar aggregate classification (germline): Benign. Review status: criteria provided, multiple submitters, no conflicts (2 of 4 stars). 4 submissions from 4 submitters: Benign (4). Last evaluated 2026-02-04.

Allele frequency attached by ClinVar (database versions not stated): TOPMed 0.06286; ExAC 0.07923; ESP Exome Variant Server 0.04787; 1000 Genomes Project 0.04832; 1000 Genomes Project 30x 0.04934; gnomAD exomes 0.05647.
gnomAD v4.1: 109,707 of 1,543,868 alleles (7.1%); highest among the groups gnomAD compares: Non-Finnish European, 7.8%; 4,202 homozygotes.

Submissions (4):

Labcorp Genetics (formerly Invitae), Labcorp
Classification: Benign. Last evaluated: 2026-02-04. Review status: criteria provided, single submitter. Criteria: Invitae Variant Classification Sherloc (09022015). Collection method: clinical testing. Allele origin: germline.

Mayo Clinic Laboratories, Mayo Clinic
Classification: Benign. Last evaluated: 2024-01-08. Review status: criteria provided, single submitter. Criteria: ACMG Guidelines, 2015. Collection method: clinical testing. Allele origin: germline. Observed: 22 variant alleles.
Comment: BA1, BS2, BP4

Breakthrough Genomics
Classification: Benign. Review status: criteria provided, single submitter. Criteria: ACMG Guidelines, 2015. Collection method: not provided. Allele origin: germline. Inheritance: Autosomal recessive inheritance. Affected: yes.

PreventionGenetics, part of Exact Sciences
Classification: Benign. Review status: criteria provided, single submitter. Criteria: ACMG Guidelines, 2015. Collection method: clinical testing. Allele origin: germline.